The following is an entry in ClinVar:

ClinVar aggregate classification (germline): Conflicting classifications of pathogenicity. Review status: criteria provided, conflicting classifications (1 of 4 stars). 3 submissions from 3 submitters: Uncertain significance (2); Likely benign (1). Last evaluated 2025-04-28.

Conditions:
Inborn genetic diseases. Identifiers: MedGen C0950123, MeSH D030342.
Neuronal ceroid lipofuscinosis. Also called: Neuronal Ceroid Lipofuscinoses. Identifiers: Orphanet 216, Orphanet 79263, MedGen C0027877, MONDO:0016295. Disease mechanism: loss of function.

Allele frequency attached by ClinVar (database versions not stated): gnomAD exomes below 0.00001 and 0.00001; ExAC 0.00001; gnomAD 0.00002; TOPMed 0.00003; ESP Exome Variant Server 0.00008.

Submissions (3):

Labcorp Genetics (formerly Invitae), Labcorp
Classification: Uncertain significance for Neuronal ceroid lipofuscinosis. Last evaluated: 2025-04-28. Review status: criteria provided, single submitter. Criteria: Invitae Variant Classification Sherloc (09022015). Collection method: clinical testing. Allele origin: germline.
Comment: This sequence change replaces arginine, which is basic and polar, with glutamine, which is neutral and polar, at codon 272 of the CLN3 protein (p.Arg272Gln). This variant is present in population databases (rs145270402, gnomAD 0.004%). This variant has not been reported in the literature in individuals affected with CLN3-related conditions. ClinVar contains an entry for this variant (Variation ID: 1406806). Invitae Evidence Modeling of protein sequence and biophysical properties (such as structural, functional, and spatial information, amino acid conservation, physicochemical variation, residue mobility, and thermodynamic stability) indicates that this missense variant is not expected to disrupt CLN3 protein function with a negative predictive value of 95%. In summary, the available evidence is currently insufficient to determine the role of this variant in disease. Therefore, it has been classified as a Variant of Uncertain Significance.

Blueprint Genetics
Classification: Uncertain significance. Last evaluated: 2023-10-04. Review status: criteria provided, single submitter. Criteria: ACMG Guidelines, 2015. Collection method: clinical testing. Allele origin: germline.

Ambry Genetics
Classification: Likely benign for Inborn genetic diseases. Last evaluated: 2022-12-15. Review status: criteria provided, single submitter. Criteria: Ambry Variant Classification Scheme 2023. Collection method: clinical testing. Allele origin: germline.

NM_001042432.2(CLN3):c.815G>A (p.Arg272Gln)

Gene: CLN3 (CLN3 lysosomal/endosomal transmembrane protein, battenin; minus strand). Cytogenetic location: 16p12.1.
Variant type: single nucleotide variant.
Coding change: c.815G>A on transcript NM_001042432.2 (MANE Select); coding-DNA position 815, G replaced by A.
Protein change: p.Arg272Gln; replaces arginine 272 with glutamine.
Molecular consequence: missense variant.
Genome position (GRCh38, 1-based): chr16:28,482,648, C>T on the plus strand (G>A on the coding strand, the complement: CLN3 is on the minus strand). VCF-style: chr16-28482648-C-T. GRCh37 (hg19) VCF-style: chr16-28493969-C-T.
Other names: c.815G>A (NM_001042432.1); c.815G>A, p.Arg272Gln (NM_000086.2); c.743G>A, p.Arg248Gln (NM_001286104.2); c.515G>A, p.Arg172Gln (NM_001286105.2); c.581G>A, p.Arg194Gln (NM_001286109.2); c.653G>A, p.Arg218Gln (NM_001286110.2); short protein forms R172Q, R194Q, R218Q, R272Q, R248Q.
Identifiers: ClinVar variation 1406806 (VCV001406806.6), dbSNP rs145270402, ClinGen allele CA7980813.